The following is an entry in ClinVar:

ClinVar aggregate classification (germline): Uncertain significance (1 of 4 stars; one submission).

Conditions:
Familial thoracic aortic aneurysm and aortic dissection (TAAD). Also called: Thoracic aortic aneurysms and dissections. Identifiers: Orphanet 91387, MedGen C4707243, MONDO:0019625.

Submission:

Color Diagnostics, LLC DBA Color Health
Classification: Uncertain significance for Familial thoracic aortic aneurysm and aortic dissection. Last evaluated: 2024-03-07. Review status: criteria provided, single submitter. Criteria: ACMG Guidelines, 2015. Collection method: clinical testing. Allele origin: germline.
Comment: This missense variant replaces asparagine with lysine at codon 1142 of the MYH11 protein. Computational prediction suggests that this variant may not impact protein structure and function (internally defined REVEL score threshold <= 0.5, PMID: 27666373). To our knowledge, functional studies have not been reported for this variant. This variant has not been reported in individuals affected with cardiovascular disorders in the literature. This variant has not been identified in the general population by the Genome Aggregation Database (gnomAD). The available evidence is insufficient to determine the role of this variant in disease conclusively. Therefore, this variant is classified as a Variant of Uncertain Significance.

NM_002474.3(MYH11):c.3405C>A (p.Asn1135Lys)

Gene: MYH11 (myosin heavy chain 11; minus strand). Cytogenetic location: 16p13.11.
Variant type: single nucleotide variant.
Coding change: c.3405C>A on transcript NM_002474.3 (MANE Select); coding-DNA position 3405, C replaced by A.
Protein change: p.Asn1135Lys; replaces asparagine 1135 with lysine.
Molecular consequence: missense variant.
Genome position (GRCh38, 1-based): chr16:15,735,467, G>T on the plus strand (C>A on the coding strand, the complement: MYH11 is on the minus strand). VCF-style: chr16-15735467-G-T. GRCh37 (hg19) VCF-style: chr16-15829324-G-T.
Other names: c.3426C>A, p.Asn1142Lys (NM_001040113.2, NM_001040114.2); c.3405C>A, p.Asn1135Lys (NM_022844.3); short protein forms N1135K, N1142K.
Identifiers: ClinVar variation 1171670 (VCV001171670.3), dbSNP rs760057221, ClinGen allele CA394861945.